The following is an entry in ClinVar:

ClinVar aggregate classification (germline): Benign/Likely benign. Review status: criteria provided, multiple submitters, no conflicts (2 of 4 stars). 3 submissions from 3 submitters: Benign (1); Likely benign (1). 1 of the submissions does not count toward it. Last evaluated 2026-01-20.

Conditions:
PIGG-related disorder. Also called: PIGG-related condition.
Intellectual disability, autosomal recessive 53 (NEDHSCA). Also called: NEURODEVELOPMENTAL DISORDER WITH OR WITHOUT HYPOTONIA, SEIZURES, AND CEREBELLAR ATROPHY; GLYCOSYLPHOSPHATIDYLINOSITOL BIOSYNTHESIS DEFECT 13; Mental retardation, autosomal recessive 53. Identifiers: Orphanet 488635, MedGen C4310794, MONDO:0014832, OMIM 616917.

Allele frequency attached by ClinVar (database versions not stated): gnomAD exomes 0.00014 and 0.00067; gnomAD 0.00021 and 0.00022; TOPMed 0.00027; ExAC 0.00084.
gnomAD v4.1: 245 of 1,611,766 alleles (0.015%); highest among the groups gnomAD compares: Admixed American, 0.22%; 4 homozygotes.

Submissions (3):

Labcorp Genetics (formerly Invitae), Labcorp
Classification: Benign for Intellectual disability, autosomal recessive 53. Last evaluated: 2026-01-20. Review status: criteria provided, single submitter. Criteria: Invitae Variant Classification Sherloc (09022015). Collection method: clinical testing. Allele origin: germline.

Blueprint Genetics
Classification: Likely benign. Last evaluated: 2023-08-29. Review status: criteria provided, single submitter. Criteria: ACMG Guidelines, 2015. Collection method: clinical testing. Allele origin: germline.

PreventionGenetics, part of Exact Sciences
Classification: Likely benign for PIGG-related condition. Last evaluated: 2022-08-19. Review status: no assertion criteria provided. Collection method: clinical testing. Allele origin: germline. Not counted in ClinVar's aggregate classification.
Comment: This variant is classified as likely benign based on ACMG/AMP sequence variant interpretation guidelines (Richards et al. 2015 PMID: 25741868, with internal and published modifications).

NM_001127178.3(PIGG):c.2279G>A (p.Arg760His)

Gene: PIGG (phosphatidylinositol glycan anchor biosynthesis class G (EMM blood group); plus strand). Cytogenetic location: 4p16.3.
Variant type: single nucleotide variant.
Coding change: c.2279G>A on transcript NM_001127178.3 (MANE Select); coding-DNA position 2279, G replaced by A.
Protein change: p.Arg760His; replaces arginine 760 with histidine.
Molecular consequence: missense variant. On other transcripts: non-coding transcript variant (6).
Genome position (GRCh38, 1-based): chr4:530,453, G>A. VCF-style: chr4-530453-G-A. GRCh37 (hg19) VCF-style: chr4-524242-G-A.
Other names: c.2012G>A, p.Arg671His (NM_001289051.2, NM_001345986.2); c.1880G>A, p.Arg627His (NM_001289052.2); c.1988G>A, p.Arg663His (NM_001345987.2); c.1250G>A, p.Arg417His (NM_001345988.2); c.746G>A, p.Arg249His (NM_001345990.2, NM_001345991.2); c.1181G>A, p.Arg394His (NM_001345994.2); c.2255G>A, p.Arg752His (NM_017733.5); short protein forms R394H, R627H, R671H, R752H, R417H, R760H, R249H, R663H.
Identifiers: ClinVar variation 771595 (VCV000771595.14), dbSNP rs200170221, ClinGen allele CA2793612.